The following is an entry in ClinVar:

ClinVar aggregate classification (germline): Uncertain significance (1 of 4 stars; one submission).

Conditions:
Myofibrillar myopathy 4. Also called: Zaspopathy (type). Identifiers: Orphanet 98912, MedGen C4721886, MONDO:0012277, OMIM 609452.

Allele frequency attached by ClinVar (database versions not stated): gnomAD 0.00001; TOPMed 0.00001.
gnomAD v4.1: 2 of 1,613,198 alleles (0.00012%); highest among the groups gnomAD compares: Admixed American, 0.0017%; no homozygotes.

Submission:

Labcorp Genetics (formerly Invitae), Labcorp
Classification: Uncertain significance for Myofibrillar myopathy 4. Last evaluated: 2016-10-22. Review status: criteria provided, single submitter. Criteria: Invitae Variant Classification Sherloc (09022015). Collection method: clinical testing. Allele origin: germline.
Comment: This sequence change replaces glutamic acid with glutamine at codon 258 of the LDB3 protein (p.Glu258Gln). The glutamic acid residue is weakly conserved and there is a small physicochemical difference between glutamic acid and glutamine. This variant is not present in population databases (ExAC no frequency) and has not been reported in the literature in individuals with a LDB3-related disease. Algorithms developed to predict the effect of missense changes on protein structure and function do not agree on the potential impact of this missense change (SIFT: "Tolerated"; PolyPhen-2: "Possibly Damaging"; Align-GVGD: "Class C0"). In summary, this variant is a novel missense change with uncertain impact on protein function. It has been classified as a Variant of Uncertain Significance.

NM_001368067.1(LDB3):c.772G>C (p.Glu258Gln)

Gene: LDB3 (LIM domain binding 3; plus strand). Cytogenetic location: 10q23.2.
Variant type: single nucleotide variant.
Coding change: c.772G>C on transcript NM_001368067.1 (MANE Plus Clinical); coding-DNA position 772, G replaced by C.
Protein change: p.Glu258Gln; replaces glutamic acid 258 with glutamine.
Molecular consequence: missense variant. On other transcripts: intron variant (6).
Genome position (GRCh38, 1-based): chr10:86,699,294, G>C. VCF-style: chr10-86699294-G-C. GRCh37 (hg19) VCF-style: chr10-88459051-G-C.
Other names: c.913G>C, p.Glu305Gln (NM_001080115.2, NM_001368063.1); c.772G>C, p.Glu258Gln (NM_001080116.1, NM_001368068.1); c.1117G>C, p.Glu373Gln (NM_001171611.2); c.896+6723G>C (NM_001368064.1, NM_007078.3, NM_001368065.1); c.1100+6723G>C (NM_001171610.2); c.755+6723G>C (NM_001368066.1, NM_001080114.2); short protein forms E258Q, E305Q, E373Q.
Identifiers: ClinVar variation 406799 (VCV000406799.9), dbSNP rs868365512, ClinGen allele CA16612958.